The following is an entry in ClinVar:

ClinVar aggregate classification (germline): Benign/Likely benign. Review status: criteria provided, multiple submitters, no conflicts (2 of 4 stars). 7 submissions from 6 submitters: Benign (5); Likely benign (2). Last evaluated 2026-02-02.

Conditions:
RASopathy. Also called: rasopathies; Noonan spectrum disorder. Identifiers: Orphanet 536391, MedGen C5555857, MONDO:0021060.
Noonan syndrome 4 (NS4). Also called: NOONAN SYNDROME WITH PIGMENTED VILLONODULAR SYNOVITIS; SOS1-Related Noonan Syndrome. Identifiers: Orphanet 648, MedGen C1853120, MONDO:0012547, OMIM 610733.
Fibromatosis, gingival, 1 (GINGF1). Identifiers: Orphanet 2024, MedGen C4551558, MONDO:0007609, OMIM 135300.

Allele frequency attached by ClinVar (database versions not stated): gnomAD exomes 0.00025; ExAC 0.00036; 1000 Genomes Project 30x 0.00047; 1000 Genomes Project 0.00060; TOPMed 0.00113; gnomAD 0.00115 and 0.00128; ESP Exome Variant Server 0.00131.

Submissions (7):

Labcorp Genetics (formerly Invitae), Labcorp
Classification: Benign for RASopathy. Last evaluated: 2026-02-02. Review status: criteria provided, single submitter. Criteria: Invitae Variant Classification Sherloc (09022015). Collection method: clinical testing. Allele origin: germline.

Blueprint Genetics
Classification: Likely benign. Last evaluated: 2024-11-26. Review status: criteria provided, single submitter. Criteria: ACMG Guidelines, 2015. Collection method: clinical testing. Allele origin: germline.

Women's Health and Genetics/Laboratory Corporation of America, LabCorp
Classification: Benign. Last evaluated: 2020-11-16. Review status: criteria provided, single submitter. Criteria: LabCorp Variant Classification Summary - May 2015. Collection method: clinical testing. Allele origin: germline.
Comment: Variant summary: SOS1 c.213+16T>C alters a non-conserved nucleotide located close to a canonical splice site and therefore could affect mRNA splicing, leading to a significantly altered protein sequence. 4/4 computational tools predict no significant impact on normal splicing. However, these predictions have yet to be confirmed by functional studies. The variant allele was found at a frequency of 0.00025 in 251338 control chromosomes, predominantly at a frequency of 0.0036 within the African or African-American subpopulation in the gnomAD database. The observed variant frequency within African or African-American control individuals in the gnomAD database is approximately 120 fold of the estimated maximal expected allele frequency for a pathogenic variant in SOS1 causing Noonan Syndrome phenotype (3e-05), strongly suggesting that the variant is a benign polymorphism found primarily in populations of African or African-American origin. To our knowledge, no occurrence of c.213+16T>C in individuals affected with Noonan Syndrome and no experimental evidence demonstrating its impact on protein function have been reported. No clinical diagnostic laboratories have submitted clinical-significance assessments for this variant to ClinVar after 2014. Based on the evidence outlined above, the variant was classified as benign.

GeneDx
Classification: Benign. Last evaluated: 2014-05-09. Review status: criteria provided, single submitter. Criteria: GeneDx Variant Classification (06012015). Collection method: clinical testing. Allele origin: germline. Affected: yes.
Comment: This variant is considered likely benign or benign based on one or more of the following criteria: it is a conservative change, it occurs at a poorly conserved position in the protein, it is predicted to be benign by multiple in silico algorithms, and/or has population frequency not consistent with disease.

Genome-Nilou Lab
Classification: Benign for Noonan syndrome 4. Review status: criteria provided, single submitter. Criteria: ACMG Guidelines, 2015. Collection method: clinical testing. Allele origin: germline.

Genome-Nilou Lab
Classification: Benign for Fibromatosis, gingival, 1. Review status: criteria provided, single submitter. Criteria: ACMG Guidelines, 2015. Collection method: clinical testing. Allele origin: germline.

PreventionGenetics, part of Exact Sciences
Classification: Likely benign. Review status: criteria provided, single submitter. Criteria: ACMG Guidelines, 2015. Collection method: clinical testing. Allele origin: germline.

NM_005633.4(SOS1):c.213+16T>C

Gene: SOS1 (SOS Ras/Rac guanine nucleotide exchange factor 1; minus strand). Cytogenetic location: 2p22.1.
Variant type: single nucleotide variant.
Coding change: c.213+16T>C on transcript NM_005633.4 (MANE Select); 16 bases into the intron after coding-DNA position 213, T replaced by C.
Molecular consequence: intron variant.
Genome position (GRCh38, 1-based): chr2:39,067,612, A>G on the plus strand (T>C on the coding strand, the complement: SOS1 is on the minus strand). VCF-style: chr2-39067612-A-G. GRCh37 (hg19) VCF-style: chr2-39294753-A-G.
Other names: c.192+16T>C (NM_001382394.1); c.213+16T>C (NM_001382395.1).
Identifiers: ClinVar variation 139233 (VCV000139233.12), dbSNP rs150536159, ClinGen allele CA293656.